The following is an entry in ClinVar:

NM_152384.3(BBS5):c.166A>G (p.Arg56Gly)

Gene: BBS5 (Bardet-Biedl syndrome 5; plus strand). Cytogenetic location: 2q31.1.
Variant type: single nucleotide variant.
Coding change: c.166A>G on transcript NM_152384.3 (MANE Select); coding-DNA position 166, A replaced by G.
Protein change: p.Arg56Gly; replaces arginine 56 with glycine.
Molecular consequence: missense variant.
Genome position (GRCh38, 1-based): chr2:169,487,092, A>G. VCF-style: chr2-169487092-A-G. GRCh37 (hg19) VCF-style: chr2-170343602-A-G.
Other names: short protein forms R56G.
Identifiers: ClinVar variation 585188 (VCV000585188.3), dbSNP rs1559121920, ClinGen allele CA349161065.

ClinVar aggregate classification (germline): Likely pathogenic. Review status: criteria provided, single submitter (1 of 4 stars). 2 submissions from 2 submitters: Likely pathogenic (1). 1 of the submissions does not count toward it. Last evaluated 2023-03-21.

Conditions:
Bardet-Biedl syndrome (BBS). Identifiers: Orphanet 110, MedGen C0752166, MONDO:0015229.

Submissions (2):

GeneDx
Classification: Likely pathogenic. Last evaluated: 2023-03-21. Review status: criteria provided, single submitter. Criteria: GeneDx Variant Classification Process June 2021. Collection method: clinical testing. Allele origin: germline. Affected: yes.
Comment: Not observed in large population cohorts (gnomAD); In silico analysis supports that this missense variant has a deleterious effect on protein structure/function; This variant is associated with the following publications: (PMID: 30614526, 25525159, 20177705, 29039417, Yu2020[article], 35951741)

Laboratory of Medical Genetics (UMR_S 1112), INSERM/Strasbourg University
Classification: Pathogenic for Bardet-Biedl syndrome. Last evaluated: 2018-09-15. Review status: no assertion criteria provided. Collection method: provider interpretation. Allele origin: germline. Affected: yes. Study: French fetal BBS cohort. Not counted in ClinVar's aggregate classification.

Literature cited by the submitters: PubMed 30614526 (cited by Laboratory of Medical Genetics (UMR_S 1112), INSERM/Strasbourg University).